The following is an entry in ClinVar:

ClinVar aggregate classification (germline): Conflicting classifications of pathogenicity. Review status: criteria provided, conflicting classifications (1 of 4 stars). 4 submissions from 4 submitters: Uncertain significance (2); Likely benign (2). Last evaluated 2021-08-05.

Conditions:
Diabetic retinopathy. Identifiers: MedGen C0011884, MONDO:0005266.
Loeys-Dietz syndrome 2 (LDS2). Also called: TGFBR2-Related Loeys-Dietz Syndrome; AORTIC ANEURYSM, FAMILIAL THORACIC 3; MARFAN SYNDROME, TYPE II; Marfan syndrome, type 2 (formerly); Marfan Syndrome type 2; Marfan like connective tissue disorder. Identifiers: Orphanet 284973, Orphanet 558, MedGen C2674574, MONDO:0012427, OMIM 610168.

Allele frequency attached by ClinVar (database versions not stated): TOPMed 0.00001.
gnomAD v4.1: 22 of 1,479,286 alleles (0.0015%); highest among the groups gnomAD compares: South Asian, 0.0038%; no homozygotes.

Submissions (4):

Blueprint Genetics
Classification: Likely benign. Last evaluated: 2021-08-05. Review status: criteria provided, single submitter. Criteria: ACMG Guidelines, 2015. Collection method: clinical testing. Allele origin: germline.

Illumina Laboratory Services, Illumina
Classification: Uncertain significance for Loeys-Dietz syndrome 2. Last evaluated: 2018-01-13. Review status: criteria provided, single submitter. Criteria: ICSL Variant Classification Criteria 13 December 2019. Collection method: clinical testing. Allele origin: germline.

Breakthrough Genomics
Classification: Uncertain significance. Review status: criteria provided, single submitter. Criteria: ACMG Guidelines, 2015. Collection method: not provided. Allele origin: germline. Inheritance: Autosomal dominant inheritance. Affected: yes.

Clinical Genomics, Uppaluri K&H Personalized Medicine Clinic
Classification: Likely benign for Diabetic retinopathy. Review status: criteria provided, single submitter. Criteria: K And H Uppaluri Personalized Medicine Clinic Variant Classification And Assertion Criteria Updated V 2. Collection method: research. Allele origin: unknown.
Comment: Potent mutations in TGFBR2 gene encodes the transforming growth factor that have been associated with angiogenesis and diabetic retinopathy. More clinical studies are needed for stronger association. However, more evidence is required to confer the association of this particular variant rs753369354 with diabetic retinopathy.

Literature cited by the submitters: PubMed 30222965 (cited by Clinical Genomics, Uppaluri K&H Personalized Medicine Clinic); PubMed 28162229 (cited by Clinical Genomics, Uppaluri K&H Personalized Medicine Clinic); PubMed 34572573 (cited by Clinical Genomics, Uppaluri K&H Personalized Medicine Clinic).

NM_003242.6(TGFBR2):c.-18C>A

Gene: TGFBR2 (transforming growth factor beta receptor 2; plus strand). Cytogenetic location: 3p24.1.
Variant type: single nucleotide variant.
Coding change: c.-18C>A on transcript NM_003242.6 (MANE Select); 18 bases upstream of the start codon, C replaced by A.
Molecular consequence: 5 prime UTR variant.
Genome position (GRCh38, 1-based): chr3:30,606,866, C>A. VCF-style: chr3-30606866-C-A. GRCh37 (hg19) VCF-style: chr3-30648358-C-A.
Other names: c.-18C>A (NM_001024847.3, NM_001407126.1, NM_001407127.1 and 4 more transcripts); c.-301C>A (NM_001407133.1); c.-179C>A (NM_001407134.1); c.-226C>A (NM_001407135.1); c.-311C>A (NM_001407136.1).
Identifiers: ClinVar variation 344655 (VCV000344655.10), dbSNP rs753369354, ClinGen allele CA10616073.
Genomic context (GRCh38, chr3:30,606,866, plus strand): 5'-GGAGGCGCAGCCAGGGGTCCGGGAAGGCGCCGTCCGCTGCGCTGGGGGCTCGGTCTATGA[C>A]GAGCAGCGGGGTCTGCCATGGGTCGGGGGCTGCTCAGGGGCCTGTGGCCGCTGCACATCG-3'